The following is an entry in ClinVar:

ClinVar aggregate classification (germline): Uncertain significance (1 of 4 stars; one submission).

Allele frequency attached by ClinVar (database versions not stated): TOPMed 0.00002; gnomAD 0.00003; 1000 Genomes Project 30x 0.00031; 1000 Genomes Project 0.00040.
gnomAD v4.1: 28 of 1,608,262 alleles (0.0017%); highest among the groups gnomAD compares: South Asian, 0.0044%; no homozygotes.

Submission:

GeneDx
Classification: Uncertain significance. Last evaluated: 2022-12-05. Review status: criteria provided, single submitter. Criteria: GeneDx Variant Classification Process June 2021. Collection method: clinical testing. Allele origin: germline. Affected: yes.
Comment: In silico analysis supports that this missense variant does not alter protein structure/function; Has not been previously published as pathogenic or benign to our knowledge

NM_001009944.3(PKD1):c.8236C>T (p.Arg2746Trp)

Gene: PKD1 (polycystin 1, transient receptor potential channel interacting; minus strand). Cytogenetic location: 16p13.3.
Variant type: single nucleotide variant.
Coding change: c.8236C>T on transcript NM_001009944.3 (MANE Select); coding-DNA position 8236, C replaced by T.
Protein change: p.Arg2746Trp; replaces arginine 2746 with tryptophan.
Molecular consequence: missense variant.
Genome position (GRCh38, 1-based): chr16:2,103,821, G>A on the plus strand (C>T on the coding strand, the complement: PKD1 is on the minus strand). VCF-style: chr16-2103821-G-A. GRCh37 (hg19) VCF-style: chr16-2153822-G-A.
Other names: c.8236C>T, p.Arg2746Trp (NM_000296.4); short protein forms R2746W.
Identifiers: ClinVar variation 2504279 (VCV002504279.1), dbSNP rs201050321, ClinGen allele CA7830598.
Genomic context (GRCh38, chr16:2,103,821, plus strand): 5'-AGCGCATGAGGATGCGCATGAGGGCAGAGGTCAGGTTGTAGGCCTGGGACGCCACCATCC[G>A]AGATGGTGACTCGGCTCCCAGCTCTGAGGGCTGTGGTGCCCGCACGTCCGAGCTGGCCAG-3'
Protein context (NP_001009944.3, residues 2736-2756): PSELGAESPS[Arg2746Trp]MVASQAYNLT